The following is an entry in ClinVar:

ClinVar aggregate classification (germline): Uncertain significance (1 of 4 stars; one submission).

Conditions:
Elsahy-Waters syndrome. Also called: BSG SYNDROME; Hypospadias, hypertelorism, upper lid coloboma, and mixed-type hearing loss. Identifiers: Orphanet 1299, Orphanet 157788, MedGen C0809936, MONDO:0008885, OMIM 211380.

gnomAD v4.1: 25 of 1,586,798 alleles (0.0016%); highest among the groups gnomAD compares: African/African-American, 0.024%; 1 homozygote.

Submission:

3billion
Classification: Uncertain significance for Elsahy-Waters syndrome. Last evaluated: 2025-10-07. Review status: criteria provided, single submitter. Criteria: ACMG Guidelines, 2015. Collection method: clinical testing. Allele origin: germline. Affected: yes.
Comment: The variant is observed at an extremely low frequency in the gnomAD v4.1.0 dataset (total allele frequency: 0.002%). Predicted Consequence/Location: Intron variant In silico tools predict the variant to alter splicing and produce an abnormal transcript [SpliceAI: 0.21 (>=0.2, moderate evidence for spliceogenicity)]. Therefore, this variant is classified as VUS according to the recommendation of ACMG/AMP guideline.

NM_001797.4(CDH11):c.1000-22A>G

Gene: CDH11 (cadherin 11; minus strand). Cytogenetic location: 16q21.
Variant type: single nucleotide variant.
Coding change: c.1000-22A>G on transcript NM_001797.4 (MANE Select); 22 bases into the intron before coding-DNA position 1000, A replaced by G.
Molecular consequence: intron variant.
Genome position (GRCh38, 1-based): chr16:64,982,323, T>C on the plus strand (A>G on the coding strand, the complement: CDH11 is on the minus strand). VCF-style: chr16-64982323-T-C. GRCh37 (hg19) VCF-style: chr16-65016226-T-C.
Other names: c.622-22A>G (NM_001330576.2); c.1000-22A>G (NM_001308392.2).
Identifiers: ClinVar variation 4854310 (VCV004854310.1).